The following is an entry in ClinVar:

ClinVar aggregate classification (germline): Benign/Likely benign. Review status: criteria provided, multiple submitters, no conflicts (2 of 4 stars). 5 submissions from 5 submitters: Benign (3); Likely benign (2). Last evaluated 2025-08-19.

Conditions:
Emery-Dreifuss muscular dystrophy 5, autosomal dominant (EDMD5). Also called: EMERY-DREIFUSS MUSCULAR DYSTROPHY 5. Identifiers: Orphanet 261, MedGen C2751805, MONDO:0013072, OMIM 612999.

Allele frequency attached by ClinVar (database versions not stated): ESP Exome Variant Server 0.00038; gnomAD exomes 0.00038 and 0.00083; gnomAD 0.00041 and 0.00050; TOPMed 0.00062; 1000 Genomes Project 30x 0.00094; ExAC 0.00102; 1000 Genomes Project 0.00120.
gnomAD v4.1: 656 of 1,612,500 alleles (0.041%); highest among the groups gnomAD compares: South Asian, 0.44%; 3 homozygotes.

Submissions (5):

Labcorp Genetics (formerly Invitae), Labcorp
Classification: Benign for Emery-Dreifuss muscular dystrophy 5, autosomal dominant. Last evaluated: 2025-08-19. Review status: criteria provided, single submitter. Criteria: Invitae Variant Classification Sherloc (09022015). Collection method: clinical testing. Allele origin: germline.

Blueprint Genetics
Classification: Likely benign. Last evaluated: 2024-11-18. Review status: criteria provided, single submitter. Criteria: ACMG Guidelines, 2015. Collection method: clinical testing. Allele origin: germline.

Athena Diagnostics
Classification: Benign. Last evaluated: 2024-10-17. Review status: criteria provided, single submitter. Criteria: Athena Diagnostics Criteria. Collection method: clinical testing. Allele origin: unknown.

Illumina Laboratory Services, Illumina
Classification: Benign for Emery-Dreifuss muscular dystrophy 5, autosomal dominant. Last evaluated: 2018-01-13. Review status: criteria provided, single submitter. Criteria: ICSL Variant Classification Criteria 13 December 2019. Collection method: clinical testing. Allele origin: germline.
Comment: This variant was observed in the ICSL laboratory as part of a predisposition screen in an ostensibly healthy population. It had not been previously curated by ICSL or reported in the Human Gene Mutation Database (HGMD: prior to June 1st, 2018), and was therefore a candidate for classification through an automated scoring system. Utilizing variant allele frequency, disease prevalence and penetrance estimates, and inheritance mode, an automated score was calculated to assess if this variant is too frequent to cause the disease. Based on the score and internal cut-off values, a variant classified as benign is not then subjected to further curation. The score for this variant resulted in a classification of benign for this disease.

Eurofins Ntd Llc (ga)
Classification: Likely benign. Last evaluated: 2016-06-21. Review status: criteria provided, single submitter. Criteria: EGL Classification Definitions 2015. Collection method: clinical testing. Allele origin: germline. Observed: 2 variant alleles, 2 heterozygotes.

NM_182914.3(SYNE2):c.18723+8C>T

Gene: SYNE2 (spectrin repeat containing nuclear envelope protein 2; plus strand). Cytogenetic location: 14q23.2.
Variant type: single nucleotide variant.
Coding change: c.18723+8C>T on transcript NM_182914.3 (MANE Select); 8 bases into the intron after coding-DNA position 18723, C replaced by T.
Molecular consequence: intron variant.
Genome position (GRCh38, 1-based): chr14:64,210,132, C>T. VCF-style: chr14-64210132-C-T. GRCh37 (hg19) VCF-style: chr14-64676850-C-T.
Other names: c.18723+8C>T (NM_015180.6).
Identifiers: ClinVar variation 287760 (VCV000287760.23), dbSNP rs200853043, ClinGen allele CA7224182.